The following is an entry in ClinVar:

NM_198282.4(STING1):c.722G>C (p.Ser241Thr)

Gene: STING1 (stimulator of interferon response cGAMP interactor 1; minus strand). Cytogenetic location: 5q31.2.
Variant type: single nucleotide variant.
Coding change: c.722G>C on transcript NM_198282.4 (MANE Select); coding-DNA position 722, G replaced by C.
Protein change: p.Ser241Thr; replaces serine 241 with threonine.
Molecular consequence: missense variant.
Genome position (GRCh38, 1-based): chr5:139,478,307, C>G on the plus strand (G>C on the coding strand, the complement: STING1 is on the minus strand). VCF-style: chr5-139478307-C-G. GRCh37 (hg19) VCF-style: chr5-138857892-C-G.
Other names: c.722G>C, p.Ser241Thr (NM_001301738.2); c.365G>C, p.Ser122Thr (NM_001367258.1); short protein forms S122T, S241T.
Identifiers: ClinVar variation 1931587 (VCV001931587.6), dbSNP rs2547062790, ClinGen allele CA361479904.

ClinVar aggregate classification (germline): Uncertain significance. Review status: criteria provided, multiple submitters, no conflicts (2 of 4 stars). 2 submissions from 2 submitters: Uncertain significance (2). Last evaluated 2022-10-17.

Conditions:
STING-associated vasculopathy with onset in infancy. Also called: Sting-associated vasculopathy, infantile-onset. Identifiers: Orphanet 425120, MedGen C4014722, MONDO:0014405, OMIM 615934.

Submissions (2):

Labcorp Genetics (formerly Invitae), Labcorp
Classification: Uncertain significance for STING-associated vasculopathy with onset in infancy. Last evaluated: 2022-10-17. Review status: criteria provided, single submitter. Criteria: Invitae Variant Classification Sherloc (09022015). Collection method: clinical testing. Allele origin: germline.
Comment: This sequence change replaces serine, which is neutral and polar, with threonine, which is neutral and polar, at codon 241 of the TMEM173 protein (p.Ser241Thr). This variant is not present in population databases (gnomAD no frequency). This variant has not been reported in the literature in individuals affected with TMEM173-related conditions. Advanced modeling of protein sequence and biophysical properties (such as structural, functional, and spatial information, amino acid conservation, physicochemical variation, residue mobility, and thermodynamic stability) performed at Invitae indicates that this missense variant is not expected to disrupt TMEM173 protein function. In summary, the available evidence is currently insufficient to determine the role of this variant in disease. Therefore, it has been classified as a Variant of Uncertain Significance.

Blueprint Genetics
Classification: Uncertain significance. Last evaluated: 2019-05-07. Review status: criteria provided, single submitter. Criteria: ACMG Guidelines, 2015. Collection method: clinical testing. Allele origin: germline.